The following is an entry in ClinVar:

ClinVar aggregate classification (germline): Uncertain significance (1 of 4 stars; one submission).

Conditions:
Hereditary cancer-predisposing syndrome. Also called: Tumor predisposition; Hereditary Cancer Syndrome; Hereditary neoplastic syndrome; Neoplastic Syndromes, Hereditary. Identifiers: Orphanet 140162, MedGen C0027672, MeSH D009386, MONDO:0015356.

Allele frequency attached by ClinVar (database versions not stated): gnomAD exomes below 0.00001.

Submission:

Ambry Genetics
Classification: Uncertain significance for Hereditary cancer-predisposing syndrome. Last evaluated: 2023-09-01. Review status: criteria provided, single submitter. Criteria: Ambry Variant Classification Scheme 2023. Collection method: clinical testing. Allele origin: germline.
Comment: The p.T434P variant (also known as c.1300A>C), located in coding exon 13 of the MUTYH gene, results from an A to C substitution at nucleotide position 1300. The threonine at codon 434 is replaced by proline, an amino acid with highly similar properties. This amino acid position is conserved. In addition, the in silico prediction for this alteration is inconclusive. Since supporting evidence is limited at this time, the clinical significance of this alteration remains unclear.

NM_001048174.2(MUTYH):c.1216A>C (p.Thr406Pro)

Gene: MUTYH (mutY DNA glycosylase; minus strand). Cytogenetic location: 1p34.1.
Variant type: single nucleotide variant.
Coding change: c.1216A>C on transcript NM_001048174.2 (MANE Select); coding-DNA position 1216, A replaced by C.
Protein change: p.Thr406Pro; replaces threonine 406 with proline.
Molecular consequence: missense variant. On other transcripts: non-coding transcript variant (7).
Genome position (GRCh38, 1-based): chr1:45,331,443, T>G on the plus strand (A>C on the coding strand, the complement: MUTYH is on the minus strand). VCF-style: chr1-45331443-T-G. GRCh37 (hg19) VCF-style: chr1-45797115-T-G.
Other names: c.1216A>C, p.Thr406Pro (NM_001048171.2, NM_001048173.2, NM_001293195.2 and 6 more transcripts); c.1219A>C, p.Thr407Pro (NM_001048172.2, NM_001407071.1, NM_001407078.1 and 1 more transcripts); c.1300A>C, p.Thr434Pro (NM_001128425.2); c.1261A>C, p.Thr421Pro (NM_001293190.2); c.1249A>C, p.Thr417Pro (NM_001293191.2, NM_001407069.1, NM_001407077.1); c.940A>C, p.Thr314Pro (NM_001293192.2, NM_001293196.2, NM_001407091.1); c.871A>C, p.Thr291Pro (NM_001350650.2, NM_001350651.2, NM_001407082.1); c.1132A>C, p.Thr378Pro (NM_001407075.1); and 5 more; short protein forms T291P, T392P, T393P, T406P, T407P, T421P, T314P, T413P.
Identifiers: ClinVar variation 2612158 (VCV002612158.2), dbSNP rs1225123656, ClinGen allele CA340132866.